The following is an entry in ClinVar:

ClinVar aggregate classification (germline): Conflicting classifications of pathogenicity. Review status: criteria provided, conflicting classifications (1 of 4 stars). 18 submissions from 17 submitters: Uncertain significance (11); Likely benign (5). 2 of the submissions do not count toward it. Last evaluated 2026-06-03.

Conditions:
MSH6-related disorder. Also called: MSH6-related condition; MSH6-Related disorders.
Mismatch repair cancer syndrome 3. Identifiers: MedGen C5436807, MONDO:0030841, OMIM 619097.
Hereditary nonpolyposis colorectal neoplasms. Identifiers: MedGen C0009405, MeSH D003123.
Breast and/or ovarian cancer. Identifiers: MedGen CN221562.
Hereditary cancer-predisposing syndrome. Also called: Hereditary Cancer Syndrome; Tumor predisposition; Neoplastic Syndromes, Hereditary; Hereditary neoplastic syndrome. Identifiers: Orphanet 140162, MedGen C0027672, MeSH D009386, MONDO:0015356.
Lynch syndrome. Identifiers: Orphanet 144, MedGen C4552100, MONDO:0005835. Disease mechanism: loss of function.
Lynch syndrome 5 (LYNCH5). Also called: Hereditary non-polyposis colorectal cancer, type 5; Colorectal cancer, hereditary nonpolyposis, type 5. Identifiers: Orphanet 144, MedGen C1833477, MONDO:0013710, OMIM 614350. Disease mechanism: loss of function.
Endometrial carcinoma. Also called: Endometrial carcinoma, somatic. Identifiers: MedGen C0476089, MONDO:0002447, OMIM 608089, HP:0012114.

Submissions 1 to 14 of 18:

PreventionGenetics, part of Exact Sciences
Classification: Uncertain significance for MSH6-related condition. Last evaluated: 2026-06-03. Review status: criteria provided, single submitter. Criteria: ACMG Guidelines, 2015. Collection method: clinical testing. Allele origin: germline.
Comment: The MSH6 c.866_867delinsAA variant is predicted to result in an in-frame deletion and insertion. This variant has been reported in several individuals with clinical features consistent with Lynch syndrome (Devlin et al. 2008. PubMed ID: 18269114; Baglietto et al. 2010. PubMed ID: 20028993; Gordon et al. 2019. PubMed ID: 31422818) and an individual with breast/ovarian cancer (Caminsky et al. 2016. PubMed ID: 26898890). This variant is reported as a multinucleotide variant in 26 individuals in gnomAD V2.1.1 (reported as 2-48025988-GC-AA). The c.866_867delinsAA variant has conflicting interpretations in ClinVar ranging from likely benign to uncertain (Variation ID: 89572). At this time, the clinical significance of this variant is uncertain due to the absence of conclusive functional and genetic evidence.

Labcorp Genetics (formerly Invitae), Labcorp
Classification: Likely benign for Hereditary nonpolyposis colorectal neoplasms. Last evaluated: 2026-01-27. Review status: criteria provided, single submitter. Criteria: Invitae Variant Classification Sherloc (09022015). Collection method: clinical testing. Allele origin: germline.

Women's Health and Genetics/Laboratory Corporation of America, LabCorp
Classification: Likely benign. Last evaluated: 2026-01-26. Review status: criteria provided, single submitter. Criteria: LabCorp Variant Classification Summary - May 2015. Collection method: clinical testing. Allele origin: germline.
Comment: Variant summary: MSH6 c.866_867delinsAA (p.Gly289Glu) results in a non-conservative amino acid change in the encoded protein sequence. Algorithms developed to predict the effect of missense changes on protein structure and function are either unavailable or do not agree on the potential impact of this missense change. The variant allele (comprised of 2 individual constituent variants 2-48025989-C-A and 2-48025988-G-A in cis; GRC37 hg19) was found at a frequency of 8.5e-05 in 282558 control chromosomes, predominantly at a frequency of 0.00019 within the Non-Finnish European subpopulation in the gnomAD database. The observed variant frequency within Non-Finnish European control individuals in the gnomAD database exceeds the estimated maximal expected allele frequency for disease-causing variants in MSH6. c.866_867delinsAA has been observed in individuals affected with HNPCC, colorectal adenomas, colorectal cancer and breast cancer (example, Colley_2005, Devlin_2008, Baglietto_2010, Caminsky_2016). These reports do not provide unequivocal conclusions about association of the variant with Hereditary Nonpolyposis Colorectal Cancer. At-least two co-occurrences with pathogenic variants have been observed internally (APC c.4987G>T, p.Glu1663X; CHEK2 c.1555C>T, p.Arg519X), providing supporting evidence for a benign role. To our knowledge, no experimental evidence demonstrating an impact on protein function has been reported. The following publications have been ascertained in the context of this evaluation (PMID: 20028993, 26898890, 16010685, 18269114, 31422818, 26333163, 23621914). ClinVar contains an entry for this variant (Variation ID: 89572). Based on the evidence outlined above, the variant was classified as likely benign.

Quest Diagnostics Nichols Institute San Juan Capistrano
Classification: Uncertain significance. Last evaluated: 2025-08-18. Review status: criteria provided, single submitter. Criteria: Quest Diagnostics criteria. Collection method: clinical testing. Allele origin: unknown.
Comment: The MSH6 c.866_867delinsAA (p.Gly289Glu) variant has been reported in the published literature in individuals with Lynch syndrome (PMID: 18269114 (2008), 20028993 (2010)) and breast cancer (PMID: 26898890 (2016)). In a large-scale breast cancer association study, this variant has been observed in both breast cancer cases and reportedly unaffected individuals (PMID: 33471991 (2021), see also LOVD). The frequency of this variant in the general population (Genome Aggregation Database) is uninformative in the assessment of its pathogenicity. Analysis of this variant using bioinformatics tools (i.e., MutationTaster and PolyPhen-2) for the prediction of the effect of amino acid changes on protein structure and function yielded predictions that this variant is benign. Based on the available information, we are unable to determine the clinical significance of this variant.

Blueprint Genetics
Classification: Uncertain significance. Last evaluated: 2024-11-14. Review status: criteria provided, single submitter. Criteria: ACMG Guidelines, 2015. Collection method: clinical testing. Allele origin: germline.

Mayo Clinic Laboratories, Mayo Clinic
Classification: Uncertain significance. Last evaluated: 2023-12-05. Review status: criteria provided, single submitter. Criteria: ACMG Guidelines, 2015. Collection method: clinical testing. Allele origin: germline. Observed: 1 variant allele.

Baylor Genetics
Classification: Uncertain significance for Endometrial carcinoma. Last evaluated: 2023-10-16. Review status: criteria provided, single submitter. Criteria: ACMG Guidelines, 2015. Collection method: clinical testing. Allele origin: unknown.

Department of Pathology and Laboratory Medicine, Sinai Health System
Classification: Uncertain significance for Mismatch repair cancer syndrome 3. Last evaluated: 2023-09-20. Review status: criteria provided, single submitter. Criteria: ACMG Guidelines, 2015. Collection method: clinical testing. Allele origin: germline. Affected: yes.

Color Diagnostics, LLC DBA Color Health
Classification: Likely benign for Hereditary cancer-predisposing syndrome. Last evaluated: 2023-05-15. Review status: criteria provided, single submitter. Criteria: ACMG Guidelines, 2015. Collection method: clinical testing. Allele origin: germline.

CHEO Genetics Diagnostic Laboratory, Children's Hospital of Eastern Ontario
Classification: Uncertain significance for Breast and/or ovarian cancer. Last evaluated: 2022-08-15. Review status: criteria provided, single submitter. Criteria: ACMG Guidelines, 2015. Collection method: clinical testing. Allele origin: germline.

Genetic Services Laboratory, University of Chicago
Classification: Uncertain significance. Last evaluated: 2021-09-15. Review status: criteria provided, single submitter. Criteria: ACMG Guidelines, 2015. Collection method: clinical testing. Allele origin: germline. Affected: no.
Comment: DNA sequence analysis of the MSH6 gene demonstrated a deletion and insertion of two base pairs in exon 4, c.866_867delinsAA. This in-frame deletion/insertion results in a missense change, p.Gly289Glu. This sequence change has been identified in individuals with colorectal cancer or suspected Lynch syndrome (PMID: 16010685, 20028993, 18269114). This sequence change has been reported in the gnomAD database with a frequency of 0.02% in the non-Finnish European subpopulation (dbSNPs rs368318845, rs267608047 ). The p.Gly289Glu change affects a poorly conserved amino acid residue located in a domain of the MSH6 protein that is known to be functional. The p.Gly289Glu substitution appears to be benign using several in-silico pathogenicity prediction tools (SIFT, PolyPhen2, Align GVGD). Due to insufficient evidences and the lack of functional studies, the clinical significance of the p.Gly289Glu change remains unknown at this time.

GeneDx
Classification: Likely benign. Last evaluated: 2020-12-14. Review status: criteria provided, single submitter. Criteria: GeneDx Variant Classification Process June 2021. Collection method: clinical testing. Allele origin: germline. Affected: yes.
Comment: This variant is associated with the following publications: (PMID: 26898890, 16010685, 18269114, 23621914, 20028993, 26333163, 26635394)

St. Jude Molecular Pathology, St. Jude Children's Research Hospital
Classification: Uncertain significance for Lynch syndrome. Last evaluated: 2020-10-22. Review status: criteria provided, single submitter. Criteria: St. Jude Assertion Criteria 2020. Collection method: clinical testing. Allele origin: germline.
Comment: The MSH6 c.866_867delinsAA (p.Gly289Glu) variant is absent in gnomAD v2.1.1 (PM2_Supporting). An in silico tool developed for MSH6, CoDP, predicts a benign effect of this variant on protein function (BP4; PMID: 23621914), but this prediction has not been confirmed by functional studies. This variant has been reported in a family with Lynch syndrome (PMID: 20028993), and in individuals with endometrial cancer (PMID: 18269114) and breast cancer (PMID: 26898890). In summary, this variant meets criteria to be classified as of uncertain significance based on the ACMG/AMP criteria: PM2_Supporting, BP4.

Ambry Genetics
Classification: Likely benign for Hereditary cancer-predisposing syndrome. Last evaluated: 2019-10-01. Review status: criteria provided, single submitter. Criteria: Ambry Variant Classification Scheme 2023. Collection method: clinical testing. Allele origin: germline.

NM_000179.3(MSH6):c.866_867delinsAA (p.Gly289Glu)

Gene: MSH6 (mutS homolog 6; plus strand). Cytogenetic location: 2p16.3.
Variant type: Indel.
Coding change: c.866_867delinsAA on transcript NM_000179.3 (MANE Select); coding-DNA positions 866 to 867, GC replaced by AA.
Protein change: p.Gly289Glu; replaces glycine 289 with glutamic acid.
Molecular consequence: missense variant. On other transcripts: 5 prime UTR variant (2).
Genome position (GRCh38, 1-based): chr2:47,798,849-47,798,850, GC replaced by AA. VCF-style: chr2-47798849-GC-AA. GRCh37 (hg19) VCF-style: chr2-48025988-GC-AA.
Other names: p.G289E:GGC>GAA; c.476_477delinsAA, p.Gly159Glu (NM_001281492.2); c.-41_-40delinsAA (NM_001281493.2, NM_001281494.2); c.866_867delGCinsAA (NM_000179.2); short protein forms G159E, G289E.
Identifiers: ClinVar variation 89572 (VCV000089572.50), dbSNP rs267608079, ClinGen allele CA016554.
Genomic context (GRCh38, chr2:47,798,849, plus strand): 5'-CTAAGGAGGAAGGAAGCAGTGATGAAATAAGCAGTGGAGTGGGGGATAGTGAGAGTGAAG[GC>AA]CTGAACAGCCCTGTCAAAGTTGCTCGAAAGCGGAAGAGAATGGTGACTGGAAATGGCTCT-3'
Protein context (NP_000170.1, residues 279-299): SSGVGDSESE[Gly289Glu]LNSPVKVARK